The following is an entry in ClinVar:

ClinVar aggregate classification (germline): Uncertain significance (1 of 4 stars; one submission).

Conditions:
Hereditary cancer-predisposing syndrome. Also called: Tumor predisposition; Hereditary neoplastic syndrome; Hereditary Cancer Syndrome; Neoplastic Syndromes, Hereditary. Identifiers: Orphanet 140162, MedGen C0027672, MeSH D009386, MONDO:0015356.

Submission:

Ambry Genetics
Classification: Uncertain significance for Hereditary cancer-predisposing syndrome. Last evaluated: 2023-12-26. Review status: criteria provided, single submitter. Criteria: Ambry Variant Classification Scheme 2023. Collection method: clinical testing. Allele origin: germline.
Comment: The p.E1049K variant (also known as c.3145G>A), located in coding exon 25 of the POLD1 gene, results from a G to A substitution at nucleotide position 3145. The glutamic acid at codon 1049 is replaced by lysine, an amino acid with similar properties. This amino acid position is conserved. In addition, this alteration is predicted to be tolerated by in silico analysis. Since supporting evidence is limited at this time, the clinical significance of this alteration remains unclear.

NM_002691.4(POLD1):c.3145G>A (p.Glu1049Lys)

Gene: POLD1 (DNA polymerase delta 1, catalytic subunit; plus strand). Cytogenetic location: 19q13.33.
Variant type: single nucleotide variant.
Coding change: c.3145G>A on transcript NM_002691.4 (MANE Select); coding-DNA position 3145, G replaced by A.
Protein change: p.Glu1049Lys; replaces glutamic acid 1049 with lysine.
Molecular consequence: missense variant. On other transcripts: non-coding transcript variant (1).
Genome position (GRCh38, 1-based): chr19:50,417,196, G>A. VCF-style: chr19-50417196-G-A. GRCh37 (hg19) VCF-style: chr19-50920453-G-A.
Other names: c.3145G>A, p.Glu1049Lys (NM_001256849.1); c.3223G>A, p.Glu1075Lys (NM_001308632.1); short protein forms E1049K, E1075K.
Identifiers: ClinVar variation 3222731 (VCV003222731.1), dbSNP rs2122507230, ClinGen allele CA406987317.